The following is an entry in ClinVar:

NM_020937.4(FANCM):c.3938G>C (p.Ser1313Thr)

Gene: FANCM (FA complementation group M; plus strand). Cytogenetic location: 14q21.2.
Variant type: single nucleotide variant.
Coding change: c.3938G>C on transcript NM_020937.4 (MANE Select); coding-DNA position 3938, G replaced by C.
Protein change: p.Ser1313Thr; replaces serine 1313 with threonine.
Molecular consequence: missense variant.
Genome position (GRCh38, 1-based): chr14:45,176,692, G>C. VCF-style: chr14-45176692-G-C. GRCh37 (hg19) VCF-style: chr14-45645895-G-C.
Other names: c.3860G>C, p.Ser1287Thr (NM_001308133.2); short protein forms S1313T, S1287T.
Identifiers: ClinVar variation 803020 (VCV000803020.17), dbSNP rs771311008, ClinGen allele CA7169602.

ClinVar aggregate classification (germline): Conflicting classifications of pathogenicity. Review status: criteria provided, conflicting classifications (1 of 4 stars). 4 submissions from 4 submitters: Uncertain significance (3); Likely benign (1). Last evaluated 2025-03-05.

Conditions:
Spermatogenic failure 28. Identifiers: MedGen C4748117, MONDO:0054732, OMIM 618086.
Premature ovarian failure 15. Identifiers: MedGen C4748170, MONDO:0054862, OMIM 618096.
Hereditary cancer. Identifiers: MedGen C1333600.
Fanconi anemia (FA). Also called: Fanconi's anemia. Identifiers: Orphanet 84, MedGen C0015625, MeSH D005199, MONDO:0019391.

Allele frequency attached by ClinVar (database versions not stated): gnomAD exomes below 0.00001; ExAC 0.00001; TOPMed 0.00003; gnomAD 0.00004 and 0.00005.

Submissions (4):

Labcorp Genetics (formerly Invitae), Labcorp
Classification: Uncertain significance for Fanconi anemia. Last evaluated: 2025-03-05. Review status: criteria provided, single submitter. Criteria: Invitae Variant Classification Sherloc (09022015). Collection method: clinical testing. Allele origin: germline.
Comment: This sequence change replaces serine, which is neutral and polar, with threonine, which is neutral and polar, at codon 1313 of the FANCM protein (p.Ser1313Thr). This variant is present in population databases (rs771311008, gnomAD no frequency). This variant has not been reported in the literature in individuals affected with FANCM-related conditions. ClinVar contains an entry for this variant (Variation ID: 803020). An algorithm developed to predict the effect of missense changes on protein structure and function (PolyPhen-2) suggests that this variant is likely to be tolerated. In summary, the available evidence is currently insufficient to determine the role of this variant in disease. Therefore, it has been classified as a Variant of Uncertain Significance.

GeneDx
Classification: Uncertain significance. Last evaluated: 2024-05-16. Review status: criteria provided, single submitter. Criteria: GeneDx Variant Classification Process June 2021. Collection method: clinical testing. Allele origin: germline. Affected: yes.
Comment: Not observed at significant frequency in large population cohorts (gnomAD); In silico analysis supports that this missense variant does not alter protein structure/function; Has not been previously published as pathogenic or benign to our knowledge

Mendelics
Classification: Likely benign for Hereditary cancer. Last evaluated: 2024-01-23. Review status: criteria provided, single submitter. Criteria: ACMG Guidelines, 2015. Collection method: clinical testing. Allele origin: unknown.

Fulgent Genetics
Classification: Uncertain significance for Spermatogenic failure 28; Premature ovarian failure 15. Last evaluated: 2021-08-23. Review status: criteria provided, single submitter. Criteria: ACMG Guidelines, 2015. Collection method: clinical testing. Allele origin: unknown.